The following is an entry in ClinVar:

NM_004069.6(AP2S1):c.327+5G>A

Gene: AP2S1 (adaptor related protein complex 2 subunit sigma 1; minus strand). Cytogenetic location: 19q13.32.
Variant type: single nucleotide variant.
Coding change: c.327+5G>A on transcript NM_004069.6 (MANE Select); 5 bases into the intron after coding-DNA position 327, G replaced by A.
Molecular consequence: intron variant.
Genome position (GRCh38, 1-based): chr19:46,838,735, C>T on the plus strand (G>A on the coding strand, the complement: AP2S1 is on the minus strand). VCF-style: chr19-46838735-C-T. GRCh37 (hg19) VCF-style: chr19-47341992-C-T.
Other names: c.213+5G>A (NM_021575.5); c.369+5G>A (NM_001301078.3); c.333+5G>A (NM_001301081.3); c.375+5G>A (NM_001301076.3).
Identifiers: ClinVar variation 2134454 (VCV002134454.4), dbSNP rs2055457680, ClinGen allele CA996443416.

ClinVar aggregate classification (germline): Uncertain significance (1 of 4 stars; one submission).

Allele frequency attached by ClinVar (database versions not stated): gnomAD 0.00001; gnomAD exomes 0.00001.
gnomAD v4.1: 10 of 1,612,628 alleles (0.00062%); highest among the groups gnomAD compares: African/African-American, 0.0013%; no homozygotes.

Submission:

Labcorp Genetics (formerly Invitae), Labcorp
Classification: Uncertain significance. Last evaluated: 2022-09-04. Review status: criteria provided, single submitter. Criteria: Invitae Variant Classification Sherloc (09022015). Collection method: clinical testing. Allele origin: germline.
Comment: This sequence change falls in intron 4 of the AP2S1 gene. It does not directly change the encoded amino acid sequence of the AP2S1 protein. It affects a nucleotide within the consensus splice site. In summary, the available evidence is currently insufficient to determine the role of this variant in disease. Therefore, it has been classified as a Variant of Uncertain Significance. Variants that disrupt the consensus splice site are a relatively common cause of aberrant splicing (PMID: 17576681, 9536098). Algorithms developed to predict the effect of sequence changes on RNA splicing suggest that this variant may create or strengthen a splice site. This variant has not been reported in the literature in individuals affected with AP2S1-related conditions. This variant is not present in population databases (gnomAD no frequency).

Literature cited by the submitters: PubMed 17576681; PubMed 9536098.